The following is an entry in ClinVar:

NM_000548.5(TSC2):c.4750C>A (p.Leu1584Met)

Gene: TSC2 (TSC complex subunit 2; plus strand). Cytogenetic location: 16p13.3.
Variant type: single nucleotide variant.
Coding change: c.4750C>A on transcript NM_000548.5 (MANE Select); coding-DNA position 4750, C replaced by A.
Protein change: p.Leu1584Met; replaces leucine 1584 with methionine.
Molecular consequence: missense variant.
Genome position (GRCh38, 1-based): chr16:2,086,280, C>A. VCF-style: chr16-2086280-C-A. GRCh37 (hg19) VCF-style: chr16-2136281-C-A.
Other names: c.4549C>A, p.Leu1517Met (NM_001077183.3); c.4681C>A, p.Leu1561Met (NM_001114382.3); c.4441C>A, p.Leu1481Met (NM_001318827.2); c.4405C>A, p.Leu1469Met (NM_001318829.2); c.4570C>A, p.Leu1524Met (NM_001406670.1); c.4540C>A, p.Leu1514Met (NM_001406671.1); c.4537C>A, p.Leu1513Met (NM_001406673.1); c.4534C>A, p.Leu1512Met (NM_001406675.1); and 26 more; short protein forms L1364M, L1481M, L1512M, L1513M, L1561M, L983M, L1070M, L1092M.
Identifiers: ClinVar variation 1742848 (VCV001742848.7), dbSNP rs2151572888, ClinGen allele CA394307741.

ClinVar aggregate classification (germline): Uncertain significance. Review status: criteria provided, multiple submitters, no conflicts (2 of 4 stars). 2 submissions from 2 submitters: Uncertain significance (2). Last evaluated 2022-01-17.

Conditions:
Hereditary cancer-predisposing syndrome. Also called: Neoplastic Syndromes, Hereditary; Tumor predisposition; Hereditary Cancer Syndrome; Hereditary neoplastic syndrome. Identifiers: Orphanet 140162, MedGen C0027672, MeSH D009386, MONDO:0015356.
Tuberous sclerosis 2 (TSC2). Identifiers: Orphanet 805, MedGen C1860707, MONDO:0013199, OMIM 613254.

Submissions (2):

Labcorp Genetics (formerly Invitae), Labcorp
Classification: Uncertain significance for Tuberous sclerosis 2. Last evaluated: 2022-01-17. Review status: criteria provided, single submitter. Criteria: Invitae Variant Classification Sherloc (09022015). Collection method: clinical testing. Allele origin: germline.
Comment: This variant is not present in population databases (gnomAD no frequency). In summary, the available evidence is currently insufficient to determine the role of this variant in disease. Therefore, it has been classified as a Variant of Uncertain Significance. Advanced modeling of protein sequence and biophysical properties (such as structural, functional, and spatial information, amino acid conservation, physicochemical variation, residue mobility, and thermodynamic stability) performed at Invitae indicates that this missense variant is expected to disrupt TSC2 protein function. This variant has not been reported in the literature in individuals affected with TSC2-related conditions. This sequence change replaces leucine, which is neutral and non-polar, with methionine, which is neutral and non-polar, at codon 1584 of the TSC2 protein (p.Leu1584Met).

Ambry Genetics
Classification: Uncertain significance for Hereditary cancer-predisposing syndrome. Last evaluated: 2021-03-25. Review status: criteria provided, single submitter. Criteria: Ambry Variant Classification Scheme 2023. Collection method: clinical testing. Allele origin: germline.
Comment: The p.L1584M variant (also known as c.4750C>A), located in coding exon 36 of the TSC2 gene, results from a C to A substitution at nucleotide position 4750. The leucine at codon 1584 is replaced by methionine, an amino acid with highly similar properties. This amino acid position is highly conserved in available vertebrate species. In addition, this alteration is predicted to be deleterious by in silico analysis. Since supporting evidence is limited at this time, the clinical significance of this alteration remains unclear.